The following is an entry in ClinVar:

ClinVar aggregate classification (germline): Uncertain significance (1 of 4 stars; one submission).

Allele frequency attached by ClinVar (database versions not stated): TOPMed 0.00003; gnomAD 0.00004; gnomAD exomes 0.00005; ExAC 0.00010.
gnomAD v4.1: 76 of 1,613,790 alleles (0.0047%); highest among the groups gnomAD compares: Non-Finnish European, 0.0062%; no homozygotes.

Submission:

Labcorp Genetics (formerly Invitae), Labcorp
Classification: Uncertain significance. Last evaluated: 2025-10-23. Review status: criteria provided, single submitter. Criteria: Invitae Variant Classification Sherloc (09022015). Collection method: clinical testing. Allele origin: germline.
Comment: This sequence change replaces tyrosine, which is neutral and polar, with serine, which is neutral and polar, at codon 154 of the GP6 protein (p.Tyr154Ser). This variant is present in population databases (rs756962244, gnomAD 0.02%). This variant has not been reported in the literature in individuals affected with GP6-related conditions. ClinVar contains an entry for this variant (Variation ID: 1901979). An algorithm developed to predict the effect of missense changes on protein structure and function outputs the following: PolyPhen-2: "Benign". The serine amino acid residue is found in multiple mammalian species, which suggests that this missense change does not adversely affect protein function. In summary, the available evidence is currently insufficient to determine the role of this variant in disease. Therefore, it has been classified as a Variant of Uncertain Significance.

NM_016363.5(GP6):c.461A>C (p.Tyr154Ser)

Gene: GP6 (glycoprotein VI platelet; minus strand). Cytogenetic location: 19q13.42.
Variant type: single nucleotide variant.
Coding change: c.461A>C on transcript NM_016363.5 (MANE Select); coding-DNA position 461, A replaced by C.
Protein change: p.Tyr154Ser; replaces tyrosine 154 with serine.
Molecular consequence: missense variant.
Genome position (GRCh38, 1-based): chr19:55,027,727, T>G on the plus strand (A>C on the coding strand, the complement: GP6 is on the minus strand). VCF-style: chr19-55027727-T-G. GRCh37 (hg19) VCF-style: chr19-55539095-T-G.
Other names: c.461A>C, p.Tyr154Ser (NM_001083899.2, NM_001256017.2); short protein forms Y154S.
Identifiers: ClinVar variation 1901979 (VCV001901979.5), dbSNP rs756962244, ClinGen allele CA310130159.